The following is an entry in ClinVar:

NM_000632.4(ITGAM):c.135-1G>A

Genes: ITGAM (integrin subunit alpha M; plus strand), LOC126862331 (P300/CBP strongly-dependent group 1 enhancer GRCh37_chr16:31276375-31277574; plus strand). Cytogenetic location: 16p11.2.
Variant type: single nucleotide variant.
Coding change: c.135-1G>A on transcript NM_000632.4 (MANE Select); the canonical splice acceptor site of the intron before coding-DNA position 135, G replaced by A.
Molecular consequence: splice acceptor variant.
Genome position (GRCh38, 1-based): chr16:31,265,394, G>A. VCF-style: chr16-31265394-G-A. GRCh37 (hg19) VCF-style: chr16-31276715-G-A.
Other names: c.135-1G>A (NM_001145808.2, NM_000632.3).
Identifiers: ClinVar variation 1408469 (VCV001408469.7), dbSNP rs1282517914, ClinGen allele CA395682374.
Genomic context (GRCh38, chr16:31,265,394, plus strand): 5'-TCTGTGGTCTCCTTCTCTCCCCACATGTCGAAGTTTTCTCTGTTCCCACTTCTCCCCACA[G>A]GGTGGTGGTTGGAGCCCCCCAGGAGATAGTGGCTGCCAACCAAAGGGGCAGCCTCTACCA-3'

ClinVar aggregate classification (germline): Uncertain significance. Review status: criteria provided, multiple submitters, no conflicts (2 of 4 stars). 2 submissions from 2 submitters: Uncertain significance (2). Last evaluated 2025-04-12.

Conditions:
ITGAM-related disorder. Also called: ITGAM-related condition.

Allele frequency attached by ClinVar (database versions not stated): gnomAD exomes below 0.00001; gnomAD 0.00001; TOPMed 0.00001.
gnomAD v4.1: 5 of 1,586,362 alleles (0.00032%); highest among the groups gnomAD compares: Non-Finnish European, 0.00043%; no homozygotes.

Submissions (2):

PreventionGenetics, part of Exact Sciences
Classification: Uncertain significance for ITGAM-related condition. Last evaluated: 2025-04-12. Review status: criteria provided, single submitter. Criteria: ACMG Guidelines, 2015. Collection method: clinical testing. Allele origin: germline.
Comment: The ITGAM c.135-1G>A variant is predicted to disrupt the AG splice acceptor site and interfere with normal splicing. To our knowledge, this variant has not been reported in the literature. This variant is reported in 0.00087% of alleles in individuals of European (Non-Finnish) descent in gnomAD. At this time, the clinical significance of this variant is uncertain due to the absence of conclusive functional and genetic evidence.

Labcorp Genetics (formerly Invitae), Labcorp
Classification: Uncertain significance. Last evaluated: 2023-12-10. Review status: criteria provided, single submitter. Criteria: Invitae Variant Classification Sherloc (09022015). Collection method: clinical testing. Allele origin: germline.
Comment: This sequence change affects an acceptor splice site in intron 2 of the ITGAM gene. It is expected to disrupt RNA splicing. Variants that disrupt the donor or acceptor splice site typically lead to a loss of protein function (PMID: 16199547), however the current clinical and genetic evidence is not sufficient to establish whether loss-of-function variants in ITGAM cause disease. This variant is present in population databases (no rsID available, gnomAD 0.0009%). This variant has not been reported in the literature in individuals affected with ITGAM-related conditions. ClinVar contains an entry for this variant (Variation ID: 1408469). Algorithms developed to predict the effect of sequence changes on RNA splicing suggest that this variant may disrupt the consensus splice site. In summary, the available evidence is currently insufficient to determine the role of this variant in disease. Therefore, it has been classified as a Variant of Uncertain Significance.

Literature cited by the submitters: PubMed 16199547 (cited by Labcorp Genetics (formerly Invitae), Labcorp).